The following is an entry in ClinVar:

ClinVar aggregate classification (germline): Pathogenic. Review status: criteria provided, multiple submitters, no conflicts (2 of 4 stars). 3 submissions from 3 submitters: Pathogenic (3). Last evaluated 2026-07-10.

Conditions:
Hereditary cancer-predisposing syndrome. Also called: Neoplastic Syndromes, Hereditary; Hereditary Cancer Syndrome; Hereditary neoplastic syndrome; Tumor predisposition. Identifiers: Orphanet 140162, MedGen C0027672, MeSH D009386, MONDO:0015356.
Polyposis syndrome, hereditary mixed, 2. Identifiers: Orphanet 157794, MedGen C1864730, MONDO:0012405, OMIM 610069.
Juvenile polyposis syndrome (JPS). Identifiers: Orphanet 2929, MedGen C0345893, MONDO:0017380, OMIM 174900.

Submissions (3):

Ambry Genetics
Classification: Pathogenic for Hereditary cancer-predisposing syndrome. Last evaluated: 2026-07-10. Review status: criteria provided, single submitter. Criteria: Ambry Variant Classification Scheme 2023. Collection method: clinical testing. Allele origin: germline.
Comment: The p.Y458* pathogenic mutation (also known as c.1374C>A), located in coding exon 10 of the BMPR1A gene, results from a C to A substitution at nucleotide position 1374. This changes the amino acid from a tyrosine to a stop codon within coding exon 10. This variant was reported in individual(s) with features consistent with BMPR1A-related juvenile polyposis syndrome (Ambry internal data). This variant is considered to be rare based on population cohorts in the Genome Aggregation Database (gnomAD). This alteration is expected to result in loss of function by premature protein truncation or nonsense-mediated mRNA decay. As such, this alteration is interpreted as a disease-causing mutation.

Foundation for Research in Genetics and Endocrinology, FRIGE's Institute of Human Genetics
Classification: Pathogenic for Polyposis syndrome, hereditary mixed, 2. Last evaluated: 2021-10-27. Review status: criteria provided, single submitter. Criteria: ACMG Guidelines, 2015. Collection method: research. Allele origin: germline. Inheritance: Autosomal dominant inheritance. Affected: yes. Observed: 1 heterozygote.
Comment: A heterozygous nonsense variation in exon 12 of the BMPR1A gene that results in the that results in a stop codon and premature truncation of the protein at codon 458. The observed variant c.1374C>A (p.Tyr458Ter) has not been reported in the 1000 genomes and gnomAD databases. The in-silico prediction of the variant is damaging by Mutation taster2 tool. The reference codon is conserved across mammals.

Labcorp Genetics (formerly Invitae), Labcorp
Classification: Pathogenic for Juvenile polyposis syndrome. Last evaluated: 2018-03-28. Review status: criteria provided, single submitter. Criteria: Invitae Variant Classification Sherloc (09022015). Collection method: clinical testing. Allele origin: germline.
Comment: This variant has not been reported in the literature in individuals with BMPR1A-related disease. For these reasons, this variant has been classified as Pathogenic. Loss-of-function variants in BMPR1A are known to be pathogenic (PMID: 11536076, 12417513). This variant is not present in population databases (ExAC no frequency). This sequence change creates a premature translational stop signal (p.Tyr458*) in the BMPR1A gene. It is expected to result in an absent or disrupted protein product.

Literature cited by the submitters: PubMed 11536076 (cited by Labcorp Genetics (formerly Invitae), Labcorp); PubMed 12417513 (cited by Labcorp Genetics (formerly Invitae), Labcorp).

NM_004329.3(BMPR1A):c.1374C>A (p.Tyr458Ter)

Gene: BMPR1A (bone morphogenetic protein receptor type 1A; plus strand). Cytogenetic location: 10q23.2.
Variant type: single nucleotide variant.
Coding change: c.1374C>A on transcript NM_004329.3 (MANE Select); coding-DNA position 1374, C replaced by A.
Protein change: p.Tyr458Ter; replaces tyrosine 458 with a stop codon.
Molecular consequence: nonsense.
Genome position (GRCh38, 1-based): chr10:86,923,407, C>A. VCF-style: chr10-86923407-C-A. GRCh37 (hg19) VCF-style: chr10-88683164-C-A.
Other names: p.Tyr458Ter; short protein forms Y458*.
Identifiers: ClinVar variation 578684 (VCV000578684.12), dbSNP rs1564725603, ClinGen allele CA377462762.